The following is an entry in ClinVar:

NM_015346.4(ZFYVE26):c.7617G>A (p.Lys2539=)

Gene: ZFYVE26 (zinc finger FYVE-type containing 26; minus strand). Cytogenetic location: 14q24.1.
Variant type: single nucleotide variant.
Coding change: c.7617G>A on transcript NM_015346.4 (MANE Select); coding-DNA position 7617, G replaced by A.
Protein change: p.Lys2539=; no amino-acid change (lysine 2539 retained).
Molecular consequence: synonymous variant.
Genome position (GRCh38, 1-based): chr14:67,748,439, C>T on the plus strand (G>A on the coding strand, the complement: ZFYVE26 is on the minus strand). VCF-style: chr14-67748439-C-T. GRCh37 (hg19) VCF-style: chr14-68215156-C-T.
Identifiers: ClinVar variation 313871 (VCV000313871.19), dbSNP rs550301037, ClinGen allele CA7238907.

ClinVar aggregate classification (germline): Conflicting classifications of pathogenicity. Review status: criteria provided, conflicting classifications (1 of 4 stars). 4 submissions from 4 submitters: Uncertain significance (1); Benign (1); Likely benign (2). Last evaluated 2026-09-01.

Conditions:
Spastic paraplegia. Identifiers: MedGen C0037772, HP:0001258.
Hereditary spastic paraplegia. Also called: Familial spastic paraparesis. Identifiers: Orphanet 685, MedGen C0037773, MONDO:0019064. Disease mechanism: loss of function.
Hereditary spastic paraplegia 15 (SPG15). Also called: SPASTIC PARAPLEGIA 15, AUTOSOMAL RECESSIVE; KJELLIN SYNDROME; SPASTIC PARAPLEGIA AND RETINAL DEGENERATION. Identifiers: Orphanet 100996, MedGen C1849128, MONDO:0010044, OMIM 270700.

Allele frequency attached by ClinVar (database versions not stated): gnomAD below 0.00001 and 0.00008; TOPMed 0.00002; gnomAD exomes 0.00017 and 0.00042; ExAC 0.00049; 1000 Genomes Project 30x 0.00109; 1000 Genomes Project 0.00140.
gnomAD v4.1: 255 of 1,612,066 alleles (0.016%); highest among the groups gnomAD compares: South Asian, 0.27%; 6 homozygotes.

Submissions (4):

CeGaT Center for Human Genetics Tuebingen
Classification: Likely benign. Last evaluated: 2026-09-01. Review status: criteria provided, single submitter. Criteria: CeGaT Center For Human Genetics Tuebingen Variant Classification Criteria Version 2. Collection method: clinical testing. Allele origin: germline. Affected: yes. Observed: 1 variant allele.
Comment: ZFYVE26: BP4, BP7

Labcorp Genetics (formerly Invitae), Labcorp
Classification: Benign for Spastic paraplegia. Last evaluated: 2026-01-30. Review status: criteria provided, single submitter. Criteria: Invitae Variant Classification Sherloc (09022015). Collection method: clinical testing. Allele origin: germline.

Genome Diagnostics Laboratory, The Hospital for Sick Children
Classification: Likely benign for Hereditary spastic paraplegia. Last evaluated: 2019-12-01. Review status: criteria provided, single submitter. Criteria: ACMG Guidelines, 2015. Collection method: clinical testing. Allele origin: germline. Affected: yes.

Illumina Laboratory Services, Illumina
Classification: Uncertain significance for Hereditary spastic paraplegia 15. Last evaluated: 2018-01-13. Review status: criteria provided, single submitter. Criteria: ICSL Variant Classification Criteria 13 December 2019. Collection method: clinical testing. Allele origin: germline.